The following is an entry in ClinVar:

NM_001008537.3(NEXMIF):c.1575C>T (p.Pro525=)

Gene: NEXMIF (neurite extension and migration factor; minus strand). Cytogenetic location: Xq13.3.
Variant type: single nucleotide variant.
Coding change: c.1575C>T on transcript NM_001008537.3 (MANE Select); coding-DNA position 1575, C replaced by T.
Protein change: p.Pro525=; no amino-acid change (proline 525 retained).
Molecular consequence: synonymous variant.
Genome position (GRCh38, 1-based): chrX:74,742,982, G>A on the plus strand (C>T on the coding strand, the complement: NEXMIF is on the minus strand). VCF-style: chrX-74742982-G-A. GRCh37 (hg19) VCF-style: chrX-73962817-G-A.
Identifiers: ClinVar variation 2660935 (VCV002660935.24), dbSNP rs1569335664, ClinGen allele CA517467998.

ClinVar aggregate classification (germline): Likely benign (1 of 4 stars; one submission).

Submission:

CeGaT Center for Human Genetics Tuebingen
Classification: Likely benign. Last evaluated: 2022-11-01. Review status: criteria provided, single submitter. Criteria: CeGaT Center For Human Genetics Tuebingen Variant Classification Criteria Version 2. Collection method: clinical testing. Allele origin: germline. Affected: yes. Observed: 1 variant allele.
Comment: NEXMIF: PM2:Supporting, BP4, BP7